The following is an entry in ClinVar:

NM_000548.5(TSC2):c.2617C>T (p.Leu873=)

Gene: TSC2 (TSC complex subunit 2; plus strand). Cytogenetic location: 16p13.3.
Variant type: single nucleotide variant.
Coding change: c.2617C>T on transcript NM_000548.5 (MANE Select); coding-DNA position 2617, C replaced by T.
Protein change: p.Leu873=; no amino-acid change (leucine 873 retained).
Molecular consequence: synonymous variant.
Genome position (GRCh38, 1-based): chr16:2,075,870, C>T. VCF-style: chr16-2075870-C-T. GRCh37 (hg19) VCF-style: chr16-2125871-C-T.
Other names: c.2617C>T, p.Leu873= (NM_001077183.3, NM_001114382.3, NM_001363528.2 and 3 more transcripts); c.2506C>T, p.Leu836= (NM_001318827.2); c.2470C>T, p.Leu824= (NM_001318829.2); c.2017C>T, p.Leu673= (NM_001318831.2); c.2650C>T, p.Leu884= (NM_001318832.2); c.2617C>T (NM_000548.4).
Identifiers: ClinVar variation 536028 (VCV000536028.14), dbSNP rs1555508418, ClinGen allele CA492953501.

ClinVar aggregate classification (germline): Benign/Likely benign. Review status: criteria provided, multiple submitters, no conflicts (2 of 4 stars). 4 submissions from 4 submitters: Benign (1); Likely benign (2). 1 of the submissions does not count toward it. Last evaluated 2025-11-04.

Conditions:
TSC2-related disorder. Also called: TSC2-Related Disorders; TSC2-related condition.
Hereditary cancer-predisposing syndrome. Also called: Neoplastic Syndromes, Hereditary; Tumor predisposition; Hereditary Cancer Syndrome; Hereditary neoplastic syndrome. Identifiers: Orphanet 140162, MedGen C0027672, MeSH D009386, MONDO:0015356.
Tuberous sclerosis 2 (TSC2). Identifiers: Orphanet 805, MedGen C1860707, MONDO:0013199, OMIM 613254.

Allele frequency attached by ClinVar (database versions not stated): gnomAD exomes below 0.00001; TOPMed below 0.00001.
gnomAD v4.1: 3 of 1,613,074 alleles (0.00019%); highest among the groups gnomAD compares: Non-Finnish European, 0.00017%; no homozygotes.

Submissions (4):

Labcorp Genetics (formerly Invitae), Labcorp
Classification: Likely benign for Tuberous sclerosis 2. Last evaluated: 2025-11-04. Review status: criteria provided, single submitter. Criteria: Invitae Variant Classification Sherloc (09022015). Collection method: clinical testing. Allele origin: germline.

Myriad Genetics, Inc.
Classification: Benign for Tuberous sclerosis 2. Last evaluated: 2025-05-20. Review status: criteria provided, single submitter. Criteria: Myriad Autosomal Dominant, Autosomal Recessive and X-Linked Classification Criteria (2023). Collection method: clinical testing. Allele origin: unknown.
Comment: This variant is considered benign. This variant is a silent/synonymous amino acid change and it is not expected to impact splicing.

Ambry Genetics
Classification: Likely benign for Hereditary cancer-predisposing syndrome. Last evaluated: 2022-12-09. Review status: criteria provided, single submitter. Criteria: Ambry Variant Classification Scheme 2023. Collection method: clinical testing. Allele origin: germline.

PreventionGenetics, part of Exact Sciences
Classification: Likely benign for TSC2-related condition. Last evaluated: 2024-09-10. Review status: no assertion criteria provided. Collection method: clinical testing. Allele origin: germline. Not counted in ClinVar's aggregate classification.
Comment: This variant is classified as likely benign based on ACMG/AMP sequence variant interpretation guidelines (Richards et al. 2015 PMID: 25741868, with internal and published modifications).